The following is an entry in ClinVar:

NM_001348738.2(KIDINS220):c.3997-5C>T

Gene: KIDINS220 (kinase D interacting substrate 220; minus strand). Cytogenetic location: 2p25.1.
Variant type: single nucleotide variant.
Coding change: c.3997-5C>T on transcript NM_001348738.2; 5 bases into the intron before coding-DNA position 3997, C replaced by T.
Molecular consequence: intron variant.
Genome position (GRCh38, 1-based): chr2:8,726,948, G>A on the plus strand (C>T on the coding strand, the complement: KIDINS220 is on the minus strand). VCF-style: chr2-8726948-G-A. GRCh37 (hg19) VCF-style: chr2-8867078-G-A.
Other names: c.3883-5C>T (NM_001348741.2, NM_001348742.2, NM_001348743.2); c.3886-5C>T (NM_001348739.2, NM_001348740.2).
Identifiers: ClinVar variation 4997745 (VCV004997745.1).
Genomic context (GRCh38, chr2:8,726,948, plus strand): 5'-TTAGTTTAATCTGGATCCTCTGAAGAGCTATCTATCTCAAGGCCAGCATTTTCTTCCTAG[G>A]CATGAAAGGGTTTAAAATTATGTAAGATTGTAAATTCTCTATTTAATCAGTCTCAACCAG-3'

ClinVar aggregate classification (germline): Likely benign (1 of 4 stars; one submission).

Conditions:
KIDINS220-related disorder. Also called: KIDINS220-related condition.

Submission:

PreventionGenetics, part of Exact Sciences
Classification: Likely benign for KIDINS220-related condition. Last evaluated: 2025-01-09. Review status: criteria provided, single submitter. Criteria: ACMG Guidelines, 2015. Collection method: clinical testing. Allele origin: germline.
Comment: This variant is classified as likely benign based on ACMG/AMP sequence variant interpretation guidelines (Richards et al. 2015 PMID: 25741868, with internal and published modifications).